The following is an entry in ClinVar:

NM_053025.4(MYLK):c.2388C>T (p.Leu796=)

Gene: MYLK (myosin light chain kinase; minus strand). Cytogenetic location: 3q21.1.
Variant type: single nucleotide variant.
Coding change: c.2388C>T on transcript NM_053025.4 (MANE Select); coding-DNA position 2388, C replaced by T.
Protein change: p.Leu796=; no amino-acid change (leucine 796 retained).
Molecular consequence: synonymous variant.
Genome position (GRCh38, 1-based): chr3:123,707,756, G>A on the plus strand (C>T on the coding strand, the complement: MYLK is on the minus strand). VCF-style: chr3-123707756-G-A. GRCh37 (hg19) VCF-style: chr3-123426603-G-A.
Other names: c.1860C>T, p.Leu620= (NM_001321309.2); c.2181C>T, p.Leu727= (NM_053026.4, NM_053028.4); c.2388C>T, p.Leu796= (NM_053027.4).
Identifiers: ClinVar variation 471709 (VCV000471709.23), dbSNP rs193007255, ClinGen allele CA068448.

ClinVar aggregate classification (germline): Benign/Likely benign. Review status: criteria provided, multiple submitters, no conflicts (2 of 4 stars). 7 submissions from 7 submitters: Benign (5); Likely benign (2). Last evaluated 2026-04-27.

Conditions:
Aortic aneurysm, familial thoracic 7 (AAT7). Also called: AORTIC DISSECTION, FAMILIAL, WITH OR WITHOUT AORTIC ANEURYSM. Identifiers: MedGen C3151077, MONDO:0013418, OMIM 613780.
Familial thoracic aortic aneurysm and aortic dissection (TAAD). Also called: Thoracic aortic aneurysms and dissections. Identifiers: Orphanet 91387, MedGen C4707243, MONDO:0019625.

Allele frequency attached by ClinVar (database versions not stated): 1000 Genomes Project 0.00419; 1000 Genomes Project 30x 0.00437; gnomAD 0.00001 and 0.00054; TOPMed 0.00009; ExAC 0.00221.
gnomAD v4.1: 1,498 of 1,614,186 alleles (0.093%); highest among the groups gnomAD compares: South Asian, 1.5%; 33 homozygotes.

Submissions (7):

Women's Health and Genetics/Laboratory Corporation of America, LabCorp
Classification: Benign. Last evaluated: 2026-04-27. Review status: criteria provided, single submitter. Criteria: LabCorp Variant Classification Summary - May 2015. Collection method: clinical testing. Allele origin: germline.

Labcorp Genetics (formerly Invitae), Labcorp
Classification: Benign for Aortic aneurysm, familial thoracic 7. Last evaluated: 2026-02-04. Review status: criteria provided, single submitter. Criteria: Invitae Variant Classification Sherloc (09022015). Collection method: clinical testing. Allele origin: germline.

ARUP Laboratories, Molecular Genetics and Genomics, ARUP Laboratories
Classification: Likely benign. Last evaluated: 2025-07-15. Review status: criteria provided, single submitter. Criteria: ARUP Molecular Germline Variant Investigation Process 2024. Collection method: clinical testing. Allele origin: germline.

Ambry Genetics
Classification: Benign for Familial thoracic aortic aneurysm and aortic dissection. Last evaluated: 2021-08-02. Review status: criteria provided, single submitter. Criteria: Ambry Variant Classification Scheme 2023. Collection method: clinical testing. Allele origin: germline.

CHEO Genetics Diagnostic Laboratory, Children's Hospital of Eastern Ontario
Classification: Benign for Familial thoracic aortic aneurysm and aortic dissection. Last evaluated: 2018-02-13. Review status: criteria provided, single submitter. Criteria: ACMG Guidelines, 2015. Collection method: clinical testing. Allele origin: germline.

Illumina Laboratory Services, Illumina
Classification: Likely benign for Aortic aneurysm, familial thoracic 7. Last evaluated: 2018-01-13. Review status: criteria provided, single submitter. Criteria: ICSL Variant Classification Criteria 13 December 2019. Collection method: clinical testing. Allele origin: germline.
Comment: This variant was observed in the ICSL laboratory as part of a predisposition screen in an ostensibly healthy population. It had not been previously curated by ICSL or reported in the Human Gene Mutation Database (HGMD: prior to June 1st, 2018), and was therefore a candidate for classification through an automated scoring system. Utilizing variant allele frequency, disease prevalence and penetrance estimates, and inheritance mode, an automated score was calculated to assess if this variant is too frequent to cause the disease. Based on the score and internal cut-off values, a variant classified as likely benign is not then subjected to further curation. The score for this variant resulted in a classification of likely benign for this disease.

GeneDx
Classification: Benign. Last evaluated: 2017-09-21. Review status: criteria provided, single submitter. Criteria: GeneDx Variant Classification (06012015). Collection method: clinical testing. Allele origin: germline. Affected: yes.
Comment: This variant is considered likely benign or benign based on one or more of the following criteria: it is a conservative change, it occurs at a poorly conserved position in the protein, it is predicted to be benign by multiple in silico algorithms, and/or has population frequency not consistent with disease.